The following is an entry in ClinVar:

ClinVar aggregate classification (germline): Likely pathogenic (1 of 4 stars; one submission).

Conditions:
Lesch-Nyhan syndrome (LNS). Also called: HPRT DEFICIENCY, COMPLETE; Lesch-Nyhan Disease (LND). Identifiers: Orphanet 510, MedGen C0023374, MONDO:0010298, OMIM 300322.
Partial hypoxanthine-guanine phosphoribosyltransferase deficiency. Also called: HPRT1 DEFICIENCY, PARTIAL; Kelley-Seegmiller Syndrome; HPRT DEFICIENCY, PARTIAL; GOUT, HPRT-RELATED; HYPOXANTHINE GUANINE PHOSPHORIBOSYLTRANSFERASE 1 DEFICIENCY, PARTIAL. Identifiers: Orphanet 79233, MedGen C0268117, MONDO:0010299, OMIM 300323.

Submissions (2):

Labcorp Genetics (formerly Invitae), Labcorp
Classification: Likely pathogenic for Lesch-Nyhan syndrome; Partial hypoxanthine-guanine phosphoribosyltransferase deficiency. Last evaluated: 2019-12-28. Review status: criteria provided, single submitter. Criteria: Invitae Variant Classification Sherloc (09022015). Collection method: clinical testing. Allele origin: germline.
Comment: In summary, the currently available evidence indicates that the variant is pathogenic, but additional data are needed to prove that conclusively. Therefore, this variant has been classified as Likely Pathogenic. This sequence change replaces alanine with threonine at codon 161 of the HPRT1 protein (p.Ala161Thr). The alanine residue is highly conserved and there is a small physicochemical difference between alanine and threonine. This variant is not present in population databases (ExAC no frequency). This variant has been observed in individuals with HPRT1-related conditions (PMID: 19016344, 25136576). Algorithms developed to predict the effect of missense changes on protein structure and function are either unavailable or do not agree on the potential impact of this missense change (SIFT: "Deleterious"; PolyPhen-2: "Benign"; Align-GVGD: "Class C55"). This variant disrupts the p.Ala161 amino acid residue in HPRT1. Other variant(s) that disrupt this residue have been determined to be pathogenic (PMID: 19016344, 15386453, 11018746). This suggests that this residue is clinically significant, and that variants that disrupt this residue are likely to be disease-causing.

Dr. Peter K. Rogan Lab, Western University
No classification provided (evidence only). Condition: Thyroid cancer, nonmedullary, 1. Review status: no classification provided. Collection method: in vitro. Allele origin: not applicable. Functional consequence: retained intron. Not counted in ClinVar's aggregate classification.

Literature cited by the submitters: PubMed 19016344 (cited by Labcorp Genetics (formerly Invitae), Labcorp); PubMed 25136576 (cited by Labcorp Genetics (formerly Invitae), Labcorp); PubMed 15386453 (cited by Labcorp Genetics (formerly Invitae), Labcorp); PubMed 11018746 (cited by Labcorp Genetics (formerly Invitae), Labcorp).

NM_000194.3(HPRT1):c.481G>A (p.Ala161Thr)

Gene: HPRT1 (hypoxanthine phosphoribosyltransferase 1; plus strand). Cytogenetic location: Xq26.2.
Variant type: single nucleotide variant.
Coding change: c.481G>A on transcript NM_000194.3 (MANE Select); coding-DNA position 481, G replaced by A.
Protein change: p.Ala161Thr; replaces alanine 161 with threonine.
Molecular consequence: missense variant.
Genome position (GRCh38, 1-based): chrX:134,493,586, G>A. VCF-style: chrX-134493586-G-A. GRCh37 (hg19) VCF-style: chrX-133627616-G-A.
Other names: short protein forms A161T.
Identifiers: ClinVar variation 847940 (VCV000847940.11), dbSNP rs137852484, ClinGen allele CA414714591.